The following is an entry in ClinVar:

NM_001844.5(COL2A1):c.534del (p.Phe179fs)

Gene: COL2A1 (collagen type II alpha 1 chain; minus strand). Cytogenetic location: 12q13.11.
Variant type: Deletion.
Coding change: c.534del on transcript NM_001844.5 (MANE Select); coding-DNA position 534, one base deleted (C; older notation c.534delC).
Protein change: p.Phe179fs; shifts the reading frame from phenylalanine 179.
Molecular consequence: frameshift variant.
Genome position (GRCh38, 1-based): chr12:47,996,623, G deleted on the plus strand (C on the coding strand, the reverse complement: COL2A1 is on the minus strand). VCF-style (leftmost placement, unchanged base first): chr12-47996622-AG-A. GRCh37 (hg19) VCF-style: chr12-48390405-AG-A.
Other names: c.327del, p.Phe110fs (NM_033150.3); short protein forms F110fs, F179fs.
Identifiers: ClinVar variation 2068761 (VCV002068761.4), dbSNP rs2540177848, ClinGen allele CA2580085511.

ClinVar aggregate classification (germline): Pathogenic (1 of 4 stars; one submission).

Submission:

Labcorp Genetics (formerly Invitae), Labcorp
Classification: Pathogenic. Last evaluated: 2024-10-16. Review status: criteria provided, single submitter. Criteria: Invitae Variant Classification Sherloc (09022015). Collection method: clinical testing. Allele origin: germline.
Comment: This sequence change creates a premature translational stop signal (p.Phe179Leufs*20) in the COL2A1 gene. It is expected to result in an absent or disrupted protein product. Loss-of-function variants in COL2A1 are known to be pathogenic (PMID: 20179744). This variant is not present in population databases (gnomAD no frequency). This variant has not been reported in the literature in individuals affected with COL2A1-related conditions. ClinVar contains an entry for this variant (Variation ID: 2068761). For these reasons, this variant has been classified as Pathogenic.

Literature cited by the submitters: PubMed 20179744.